The following is an entry in ClinVar:

NM_003482.4(KMT2D):c.8332C>T (p.Pro2778Ser)

Gene: KMT2D (lysine methyltransferase 2D; minus strand). Cytogenetic location: 12q13.12.
Variant type: single nucleotide variant.
Coding change: c.8332C>T on transcript NM_003482.4 (MANE Select); coding-DNA position 8332, C replaced by T.
Protein change: p.Pro2778Ser; replaces proline 2778 with serine.
Molecular consequence: missense variant.
Genome position (GRCh38, 1-based): chr12:49,039,256, G>A on the plus strand (C>T on the coding strand, the complement: KMT2D is on the minus strand). VCF-style: chr12-49039256-G-A. GRCh37 (hg19) VCF-style: chr12-49433039-G-A.
Other names: short protein forms P2778S.
Identifiers: ClinVar variation 4709077 (VCV004709077.2).
Genomic context (GRCh38, chr12:49,039,256, plus strand): 5'-CCCCAGGGAACCTCCTGGAGCCTCACCGGCTGTTCACATCCATAGAGGAAGGCGTGGCTG[G>A]TGGAGGTGGCCGGGAGAGTCGGTCATCGCTAGGGAAGGACCCTGGCCCCAGGATGGGGCC-3'
Protein context (NP_003473.3, residues 2768-2788): SDDRLSRPPP[Pro2778Ser]ATPSSMDVNS

ClinVar aggregate classification (germline): Conflicting classifications of pathogenicity. Review status: criteria provided, conflicting classifications (1 of 4 stars). 2 submissions from 2 submitters: Uncertain significance (1); Likely benign (1). Last evaluated 2025-08-04.

Conditions:
KMT2D-related disorder. Also called: KMT2D-Related Disorders.
Kabuki syndrome. Also called: NIIKAWA-KUROKI SYNDROME; Kabuki make-up syndrome. Identifiers: Orphanet 2322, MedGen C0796004, MONDO:0016512.

gnomAD v4.1: 2 of 1,613,760 alleles (0.00012%); highest among the groups gnomAD compares: Non-Finnish European, 0.00017%; no homozygotes.

Submissions (2):

Labcorp Genetics (formerly Invitae), Labcorp
Classification: Likely benign for Kabuki syndrome. Last evaluated: 2025-08-04. Review status: criteria provided, single submitter. Criteria: Invitae Variant Classification Sherloc (09022015). Collection method: clinical testing. Allele origin: germline.

PreventionGenetics, part of Exact Sciences
Classification: Uncertain significance for KMT2D-related condition. Last evaluated: 2025-07-15. Review status: criteria provided, single submitter. Criteria: ACMG Guidelines, 2015. Collection method: clinical testing. Allele origin: germline.
Comment: The KMT2D c.8332C>T variant is predicted to result in the amino acid substitution p.Pro2778Ser. To our knowledge, this variant has not been reported in the literature or in a large population database (gnomAD), indicating this variant is rare. At this time, the clinical significance of this variant is uncertain due to the absence of conclusive functional and genetic evidence.